The following is an entry in ClinVar:

ClinVar aggregate classification (germline): Uncertain significance (1 of 4 stars; one submission).

Conditions:
Tumor predisposition syndrome 3 (TPDS3). Also called: Melanoma, cutaneous malignant, susceptibility to, 10; Glioma susceptibility 9; LONG TELOMERE SYNDROME, POT1-RELATED; POT1 Tumor Predisposition. Identifiers: Orphanet 618, MedGen C4014476, MONDO:0014368, OMIM 615848.

Submission:

Labcorp Genetics (formerly Invitae), Labcorp
Classification: Uncertain significance for Tumor predisposition syndrome 3. Last evaluated: 2019-07-02. Review status: criteria provided, single submitter. Criteria: Invitae Variant Classification Sherloc (09022015). Collection method: clinical testing. Allele origin: germline.
Comment: This sequence change replaces tryptophan with cysteine at codon 524 of the POT1 protein (p.Trp524Cys). The tryptophan residue is highly conserved and there is a large physicochemical difference between tryptophan and cysteine. In summary, the available evidence is currently insufficient to determine the role of this variant in disease. Therefore, it has been classified as a Variant of Uncertain Significance. Algorithms developed to predict the effect of missense changes on protein structure and function (SIFT, PolyPhen-2, Align-GVGD) all suggest that this variant is likely to be disruptive, but these predictions have not been confirmed by published functional studies and their clinical significance is uncertain. This variant has not been reported in the literature in individuals with POT1-related conditions. This variant is not present in population databases (ExAC no frequency).

NM_015450.3(POT1):c.1572G>T (p.Trp524Cys)

Gene: POT1 (protection of telomeres 1; minus strand). Cytogenetic location: 7q31.33.
Variant type: single nucleotide variant.
Coding change: c.1572G>T on transcript NM_015450.3 (MANE Select); coding-DNA position 1572, G replaced by T.
Protein change: p.Trp524Cys; replaces tryptophan 524 with cysteine.
Molecular consequence: missense variant. On other transcripts: non-coding transcript variant (2).
Genome position (GRCh38, 1-based): chr7:124,829,276, C>A on the plus strand (G>T on the coding strand, the complement: POT1 is on the minus strand). VCF-style: chr7-124829276-C-A. GRCh37 (hg19) VCF-style: chr7-124469330-C-A.
Other names: c.1179G>T, p.Trp393Cys (NM_001042594.2); short protein forms W524C, W393C.
Identifiers: ClinVar variation 950100 (VCV000950100.10), dbSNP rs1794703569, ClinGen allele CA369064386.